The following is an entry in ClinVar:

ClinVar aggregate classification (germline): Uncertain significance (1 of 4 stars; one submission).

Allele frequency attached by ClinVar (database versions not stated): gnomAD exomes below 0.00001.

Submission:

Labcorp Genetics (formerly Invitae), Labcorp
Classification: Uncertain significance. Last evaluated: 2022-08-23. Review status: criteria provided, single submitter. Criteria: Invitae Variant Classification Sherloc (09022015). Collection method: clinical testing. Allele origin: germline.
Comment: This sequence change replaces arginine, which is basic and polar, with cysteine, which is neutral and slightly polar, at codon 150 of the MESP2 protein (p.Arg150Cys). This variant is not present in population databases (gnomAD no frequency). This variant has not been reported in the literature in individuals affected with MESP2-related conditions. ClinVar contains an entry for this variant (Variation ID: 1444618). Algorithms developed to predict the effect of missense changes on protein structure and function (SIFT, PolyPhen-2, Align-GVGD) all suggest that this variant is likely to be disruptive. Algorithms developed to predict the effect of sequence changes on RNA splicing suggest that this variant may create or strengthen a splice site. In summary, the available evidence is currently insufficient to determine the role of this variant in disease. Therefore, it has been classified as a Variant of Uncertain Significance.

NM_001039958.2(MESP2):c.448C>T (p.Arg150Cys)

Gene: MESP2 (mesoderm posterior bHLH transcription factor 2; plus strand). Cytogenetic location: 15q26.1.
Variant type: single nucleotide variant.
Coding change: c.448C>T on transcript NM_001039958.2 (MANE Select); coding-DNA position 448, C replaced by T.
Protein change: p.Arg150Cys; replaces arginine 150 with cysteine.
Molecular consequence: missense variant.
Genome position (GRCh38, 1-based): chr15:89,776,805, C>T. VCF-style: chr15-89776805-C-T. GRCh37 (hg19) VCF-style: chr15-90320036-C-T.
Other names: short protein forms R150C.
Identifiers: ClinVar variation 1444618 (VCV001444618.5), dbSNP rs2141774966, ClinGen allele CA393770293.
Genomic context (GRCh38, chr15:89,776,805, plus strand): 5'-CGCTACATCGGCCACCTATCGGCCGTGCTGGGTCTCAGCGAGGAGAGTCTGCAGTGCCGG[C>T]GCAGGCAGCGCGGGGACGCGGGGTCCCCTTGGGGCTGCCCGCTGTGCCCCGACCGTGGCC-3'
Protein context (NP_001035047.1, residues 140-160): GLSEESLQCR[Arg150Cys]RQRGDAGSPW